The following is an entry in ClinVar:

Conditions:
Metachromatic leukodystrophy (MLD). Also called: Arylsulfatase A Deficiency; Cerebral sclerosis diffuse metachromatic form; SULFATIDE LIPIDOSIS; ARSA DEFICIENCY; CEREBROSIDE SULFATASE DEFICIENCY; METACHROMATIC LEUKOENCEPHALOPATHY. Identifiers: Orphanet 512, MedGen C0023522, MONDO:0018868, OMIM 250100.

Allele frequency attached by ClinVar (database versions not stated): gnomAD exomes below 0.00001.
gnomAD v4.1: 2 of 1,607,752 alleles (0.00012%); highest among the groups gnomAD compares: East Asian, 0.0022%; no homozygotes.

Submission:

Gelb Laboratory, University of Washington
No classification provided (evidence only). Condition: Metachromatic leukodystrophy. Review status: no classification provided. Collection method: in vitro. Allele origin: not applicable. Inheritance: Autosomal recessive inheritance. Functional consequence: functionally_normal.
ClinVar note: "not provided" was previously submitted as the classification for the variant. However, the classification appeared to be based only on an observation of functional data so it was converted to no classification on 2025-07-30.

NM_000487.6(ARSA):c.956T>G (p.Phe319Cys)

Gene: ARSA (arylsulfatase A; minus strand). Cytogenetic location: 22q13.33.
Variant type: single nucleotide variant.
Coding change: c.956T>G on transcript NM_000487.6 (MANE Select); coding-DNA position 956, T replaced by G.
Protein change: p.Phe319Cys; replaces phenylalanine 319 with cysteine.
Molecular consequence: missense variant.
Genome position (GRCh38, 1-based): chr22:50,626,177, A>C on the plus strand (T>G on the coding strand, the complement: ARSA is on the minus strand). VCF-style: chr22-50626177-A-C. GRCh37 (hg19) VCF-style: chr22-51064605-A-C.
Other names: c.956T>G, p.Phe319Cys (NM_001085425.3, NM_001085426.3, NM_001085427.3); c.698T>G, p.Phe233Cys (NM_001085428.3, NM_001362782.2); short protein forms F233C, F319C.
Identifiers: ClinVar variation 3237328 (VCV003237328.2), dbSNP rs1282706888.